The following is an entry in ClinVar:

ClinVar aggregate classification (germline): Uncertain significance (1 of 4 stars; one submission).

gnomAD v4.1: 38 of 1,613,926 alleles (0.0024%); highest among the groups gnomAD compares: African/African-American, 0.008%; no homozygotes.

Submission:

Women's Health and Genetics/Laboratory Corporation of America, LabCorp
Classification: Uncertain significance. Last evaluated: 2025-07-14. Review status: criteria provided, single submitter. Criteria: LabCorp Variant Classification Summary - May 2015. Collection method: clinical testing. Allele origin: germline.
Comment: Variant summary: SPTBN1 c.2462G>A (p.Arg821Lys) results in a conservative amino acid change in the encoded protein sequence. Algorithms developed to predict the effect of missense changes on protein structure and function all suggest that this variant is likely to be tolerated. The variant allele was found at a frequency of 1.6e-05 in 250600 control chromosomes. The available data on variant occurrences in the general population are insufficient to allow any conclusion about variant significance. To our knowledge, no occurrence of c.2462G>A in individuals affected with Developmental Delay, Impaired Speech, And Behavioral Abnormalities and no experimental evidence demonstrating its impact on protein function have been reported. No submitters have cited clinical-significance assessments for this variant to ClinVar. Based on the evidence outlined above, the variant was classified as uncertain significance.

NM_003128.3(SPTBN1):c.2462G>A (p.Arg821Lys)

Gene: SPTBN1 (spectrin beta, non-erythrocytic 1; plus strand). Cytogenetic location: 2p16.2.
Variant type: single nucleotide variant.
Coding change: c.2462G>A on transcript NM_003128.3 (MANE Select); coding-DNA position 2462, G replaced by A.
Protein change: p.Arg821Lys; replaces arginine 821 with lysine.
Molecular consequence: missense variant.
Genome position (GRCh38, 1-based): chr2:54,629,596, G>A. VCF-style: chr2-54629596-G-A. GRCh37 (hg19) VCF-style: chr2-54856733-G-A.
Other names: c.2423G>A, p.Arg808Lys (NM_178313.3); short protein forms R821K, R808K.
Identifiers: ClinVar variation 4525927 (VCV004525927.1).